The following is an entry in ClinVar:

NC_000010.11:g.3137566G>A

Gene: PITRM1 (pitrilysin metallopeptidase 1; minus strand). Cytogenetic location: 10p15.2.
Variant type: single nucleotide variant.
Genome position: GRCh38 VCF-style: chr10-3137566-G-A. GRCh37 (hg19) VCF-style: chr10-3179758-G-A.
Identifiers: ClinVar variation 1711252 (VCV001711252.30), dbSNP rs138246751, ClinGen allele CA5386959.

ClinVar aggregate classification (germline): Benign (1 of 4 stars; one submission).

Allele frequency attached by ClinVar (database versions not stated): TOPMed 0.00539; gnomAD 0.00559; 1000 Genomes Project 30x 0.00671; 1000 Genomes Project 0.00719; ExAC 0.00848; gnomAD exomes 0.00849; ESP Exome Variant Server 0.00889.

Submission:

CeGaT Center for Human Genetics Tuebingen
Classification: Benign. Last evaluated: 2023-02-01. Review status: criteria provided, single submitter. Criteria: CeGaT Center For Human Genetics Tuebingen Variant Classification Criteria Version 2. Collection method: clinical testing. Allele origin: germline. Affected: yes. Observed: 5 variant alleles.
Comment: PITRM1: BS1, BS2